The following is an entry in ClinVar:

NM_199420.4(POLQ):c.2241G>C (p.Gln747His)

Gene: POLQ (DNA polymerase theta; minus strand). Cytogenetic location: 3q13.33.
Variant type: single nucleotide variant.
Coding change: c.2241G>C on transcript NM_199420.4 (MANE Select); coding-DNA position 2241, G replaced by C.
Protein change: p.Gln747His; replaces glutamine 747 with histidine.
Molecular consequence: missense variant.
Genome position (GRCh38, 1-based): chr3:121,496,845, C>G on the plus strand (G>C on the coding strand, the complement: POLQ is on the minus strand). VCF-style: chr3-121496845-C-G. GRCh37 (hg19) VCF-style: chr3-121215692-C-G.
Other names: short protein forms Q747H.
Identifiers: ClinVar variation 1788288 (VCV001788288.3), dbSNP rs2546793651, ClinGen allele CA354108953.

ClinVar aggregate classification (germline): Uncertain significance (1 of 4 stars; one submission).

Allele frequency attached by ClinVar (database versions not stated): gnomAD exomes 0.00001.
gnomAD v4.1: 9 of 1,613,770 alleles (0.00056%); highest among the groups gnomAD compares: African/African-American, 0.0013%; no homozygotes.

Submission:

Ambry Genetics
Classification: Uncertain significance. Last evaluated: 2024-10-21. Review status: criteria provided, single submitter. Criteria: Ambry Variant Classification Scheme 2023. Collection method: clinical testing. Allele origin: germline.
Comment: The p.Q747H variant (also known as c.2241G>C), located in coding exon 14 of the POLQ gene, results from a G to C substitution at nucleotide position 2241. The glutamine at codon 747 is replaced by histidine, an amino acid with highly similar properties. This amino acid position is conserved. In addition, this alteration is predicted to be tolerated by in silico analysis. Since supporting evidence is limited at this time, the clinical significance of this alteration remains unclear.